The following is an entry in ClinVar:

ClinVar aggregate classification (germline): Uncertain significance (1 of 4 stars; one submission).

Conditions:
Arthrogryposis, distal, type 1A. Also called: ARTHROGRYPOSIS MULTIPLEX CONGENITA, DISTAL, TYPE I. Identifiers: Orphanet 1146, MedGen C6022280, MONDO:0007157, OMIM 108120.

Submission:

Labcorp Genetics (formerly Invitae), Labcorp
Classification: Uncertain significance for Arthrogryposis, distal, type 1A. Last evaluated: 2023-07-13. Review status: criteria provided, single submitter. Criteria: Invitae Variant Classification Sherloc (09022015). Collection method: clinical testing. Allele origin: germline.
Comment: This sequence change replaces alanine, which is neutral and non-polar, with threonine, which is neutral and polar, at codon 74 of the TPM2 protein (p.Ala74Thr). This variant is not present in population databases (gnomAD no frequency). This variant has not been reported in the literature in individuals affected with TPM2-related conditions. Advanced modeling of protein sequence and biophysical properties (such as structural, functional, and spatial information, amino acid conservation, physicochemical variation, residue mobility, and thermodynamic stability) performed at Invitae indicates that this missense variant is not expected to disrupt TPM2 protein function. In summary, the available evidence is currently insufficient to determine the role of this variant in disease. Therefore, it has been classified as a Variant of Uncertain Significance.

NM_003289.4(TPM2):c.220G>A (p.Ala74Thr)

Gene: TPM2 (tropomyosin 2; minus strand). Cytogenetic location: 9p13.3.
Variant type: single nucleotide variant.
Coding change: c.220G>A on transcript NM_003289.4 (MANE Select); coding-DNA position 220, G replaced by A.
Protein change: p.Ala74Thr; replaces alanine 74 with threonine.
Molecular consequence: missense variant.
Genome position (GRCh38, 1-based): chr9:35,689,166, C>T on the plus strand (G>A on the coding strand, the complement: TPM2 is on the minus strand). VCF-style: chr9-35689166-C-T. GRCh37 (hg19) VCF-style: chr9-35689163-C-T.
Other names: c.220G>A, p.Ala74Thr (NM_001301226.2, NM_001301227.2, NM_213674.1); short protein forms A74T.
Identifiers: ClinVar variation 2800829 (VCV002800829.3), dbSNP rs2490700196, ClinGen allele CA373369282.